The following is an entry in ClinVar:

NM_000143.4(FH):c.50C>A (p.Ala17Asp)

Gene: FH (fumarate hydratase; minus strand). Cytogenetic location: 1q43.
Variant type: single nucleotide variant.
Coding change: c.50C>A on transcript NM_000143.4 (MANE Select); coding-DNA position 50, C replaced by A.
Protein change: p.Ala17Asp; replaces alanine 17 with aspartic acid.
Molecular consequence: missense variant.
Genome position (GRCh38, 1-based): chr1:241,519,673, G>T on the plus strand (C>A on the coding strand, the complement: FH is on the minus strand). VCF-style: chr1-241519673-G-T. GRCh37 (hg19) VCF-style: chr1-241682973-G-T.
Other names: short protein forms A17D.
Identifiers: ClinVar variation 5021721 (VCV005021721.1).

ClinVar aggregate classification (germline): Uncertain significance (1 of 4 stars; one submission).

Conditions:
Hereditary cancer-predisposing syndrome. Also called: Neoplastic Syndromes, Hereditary; Tumor predisposition; Hereditary neoplastic syndrome; Hereditary Cancer Syndrome. Identifiers: Orphanet 140162, MedGen C0027672, MeSH D009386, MONDO:0015356.

Submission:

Ambry Genetics
Classification: Uncertain significance for Hereditary cancer-predisposing syndrome. Last evaluated: 2026-07-06. Review status: criteria provided, single submitter. Criteria: Ambry Variant Classification Scheme 2023. Collection method: clinical testing. Allele origin: germline.
Comment: The p.A17D variant (also known as c.50C>A), located in coding exon 1 of the FH gene, results from a C to A substitution at nucleotide position 50. The alanine at codon 17 is replaced by aspartic acid, an amino acid with dissimilar properties. This amino acid position is conserved. In addition, the in silico prediction for this alteration is inconclusive. Based on the available evidence, the clinical significance of this variant remains unclear.